The following is an entry in ClinVar:

ClinVar aggregate classification (germline): Uncertain significance (1 of 4 stars; one submission).

Conditions:
Glycine encephalopathy. Also called: Non-ketotic hyperglycinemia; Nonketotic hyperglycinemia. Identifiers: Orphanet 407, MedGen C0751748, MONDO:0011612, HP:0008288.

Allele frequency attached by ClinVar (database versions not stated): gnomAD exomes below 0.00001.
gnomAD v4.1: 2 of 1,603,570 alleles (0.00012%); highest among the groups gnomAD compares: Non-Finnish European, 0.00017%; no homozygotes.

Submission:

Labcorp Genetics (formerly Invitae), Labcorp
Classification: Uncertain significance for Glycine encephalopathy. Last evaluated: 2021-08-27. Review status: criteria provided, single submitter. Criteria: Invitae Variant Classification Sherloc (09022015). Collection method: clinical testing. Allele origin: germline.
Comment: This sequence change replaces aspartic acid with tyrosine at codon 72 of the GLDC protein (p.Asp72Tyr). The aspartic acid residue is weakly conserved and there is a large physicochemical difference between aspartic acid and tyrosine. This variant is not present in population databases (ExAC no frequency). This variant has not been reported in the literature in individuals affected with GLDC-related conditions. Algorithms developed to predict the effect of missense changes on protein structure and function are either unavailable or do not agree on the potential impact of this missense change (SIFT: "Deleterious"; PolyPhen-2: "Possibly Damaging"; Align-GVGD: "Class C0"). In summary, the available evidence is currently insufficient to determine the role of this variant in disease. Therefore, it has been classified as a Variant of Uncertain Significance.

NM_000170.3(GLDC):c.214G>T (p.Asp72Tyr)

Gene: GLDC (glycine decarboxylase; minus strand). Cytogenetic location: 9p24.1.
Variant type: single nucleotide variant.
Coding change: c.214G>T on transcript NM_000170.3 (MANE Select); coding-DNA position 214, G replaced by T.
Protein change: p.Asp72Tyr; replaces aspartic acid 72 with tyrosine.
Molecular consequence: missense variant.
Genome position (GRCh38, 1-based): chr9:6,645,286, C>A on the plus strand (G>T on the coding strand, the complement: GLDC is on the minus strand). VCF-style: chr9-6645286-C-A. GRCh37 (hg19) VCF-style: chr9-6645286-C-A.
Other names: short protein forms D72Y.
Identifiers: ClinVar variation 1014176 (VCV001014176.6), dbSNP rs1819720191, ClinGen allele CA372886447.